The following is an entry in ClinVar:

ClinVar aggregate classification (germline): Uncertain significance. Review status: criteria provided, multiple submitters, no conflicts (2 of 4 stars). 2 submissions from 2 submitters: Uncertain significance (2). Last evaluated 2026-07-26.

Conditions:
Inborn genetic diseases. Identifiers: MedGen C0950123, MeSH D030342.

Submissions (2):

Ambry Genetics
Classification: Uncertain significance for Inborn genetic diseases. Last evaluated: 2026-07-26. Review status: criteria provided, single submitter. Criteria: Ambry Variant Classification Scheme 2023. Collection method: clinical testing. Allele origin: germline.
Comment: The p.D516N variant (also known as c.1546G>A), located in coding exon 12 of the ASXL1 gene, results from a G to A substitution at nucleotide position 1546. The aspartic acid at codon 516 is replaced by asparagine, an amino acid with highly similar properties. This amino acid position is conserved. In addition, this alteration is predicted to be tolerated by in silico analysis. Based on the available evidence, the clinical significance of this variant remains unclear.

Labcorp Genetics (formerly Invitae), Labcorp
Classification: Uncertain significance. Last evaluated: 2026-01-28. Review status: criteria provided, single submitter. Criteria: Invitae Variant Classification Sherloc (09022015). Collection method: clinical testing. Allele origin: germline.
Comment: This sequence change replaces aspartic acid, which is acidic and polar, with asparagine, which is neutral and polar, at codon 516 of the ASXL1 protein (p.Asp516Asn). This variant is not present in population databases (gnomAD no frequency). This variant has not been reported in the literature in individuals affected with ASXL1-related conditions. An algorithm developed to predict the effect of missense changes on protein structure and function (PolyPhen-2) suggests that this variant is likely to be disruptive. In summary, the available evidence is currently insufficient to determine the role of this variant in disease. Therefore, it has been classified as a Variant of Uncertain Significance.

NM_015338.6(ASXL1):c.1546G>A (p.Asp516Asn)

Gene: ASXL1 (ASXL transcriptional regulator 1; plus strand). Cytogenetic location: 20q11.21.
Variant type: single nucleotide variant.
Coding change: c.1546G>A on transcript NM_015338.6 (MANE Select); coding-DNA position 1546, G replaced by A.
Protein change: p.Asp516Asn; replaces aspartic acid 516 with asparagine.
Molecular consequence: missense variant.
Genome position (GRCh38, 1-based): chr20:32,433,744, G>A. VCF-style: chr20-32433744-G-A. GRCh37 (hg19) VCF-style: chr20-31021547-G-A.
Other names: c.1363G>A, p.Asp455Asn (NM_001363734.1); short protein forms D516N, D455N.
Identifiers: ClinVar variation 4736005 (VCV004736005.2).